The following is an entry in ClinVar:

ClinVar aggregate classification (germline): Uncertain significance (1 of 4 stars; one submission).

Conditions:
Fanconi anemia (FA). Also called: Fanconi's anemia. Identifiers: Orphanet 84, MedGen C0015625, MeSH D005199, MONDO:0019391.

Allele frequency attached by ClinVar (database versions not stated): gnomAD exomes below 0.00001; TOPMed below 0.00001.

Submission:

Labcorp Genetics (formerly Invitae), Labcorp
Classification: Uncertain significance for Fanconi anemia. Last evaluated: 2024-05-01. Review status: criteria provided, single submitter. Criteria: Invitae Variant Classification Sherloc (09022015). Collection method: clinical testing. Allele origin: germline.
Comment: This sequence change replaces valine, which is neutral and non-polar, with leucine, which is neutral and non-polar, at codon 652 of the FANCD2 protein (p.Val652Leu). This variant is present in population databases (no rsID available, gnomAD 0.0009%). This variant has not been reported in the literature in individuals affected with FANCD2-related conditions. ClinVar contains an entry for this variant (Variation ID: 1355270). Advanced modeling of protein sequence and biophysical properties (such as structural, functional, and spatial information, amino acid conservation, physicochemical variation, residue mobility, and thermodynamic stability) performed at Invitae indicates that this missense variant is not expected to disrupt FANCD2 protein function with a negative predictive value of 80%. In summary, the available evidence is currently insufficient to determine the role of this variant in disease. Therefore, it has been classified as a Variant of Uncertain Significance.

NM_001018115.3(FANCD2):c.1954G>C (p.Val652Leu)

Genes: FANCD2 (FA complementation group D2; plus strand), LOC107303338 (3p25 FANCD2 Alu-mediated recombination region; plus strand). Cytogenetic location: 3p25.3.
Variant type: single nucleotide variant.
Coding change: c.1954G>C on transcript NM_001018115.3 (MANE Select); coding-DNA position 1954, G replaced by C.
Protein change: p.Val652Leu; replaces valine 652 with leucine.
Molecular consequence: missense variant.
Genome position (GRCh38, 1-based): chr3:10,064,362, G>C. VCF-style: chr3-10064362-G-C. GRCh37 (hg19) VCF-style: chr3-10106046-G-C.
Other names: c.1954G>C, p.Val652Leu (NM_001319984.2, NM_001374254.1, NM_033084.6); c.1843G>C, p.Val615Leu (NM_001374253.1); short protein forms V615L, V652L.
Identifiers: ClinVar variation 1355270 (VCV001355270.7), dbSNP rs1381447946, ClinGen allele CA351732169.